The following is an entry in ClinVar:

ClinVar aggregate classification (germline): Uncertain significance (1 of 4 stars; one submission).

Conditions:
CACNA1I-related disorder. Also called: CACNA1I-related condition.

Allele frequency attached by ClinVar (database versions not stated): gnomAD 0.00001.

Submission:

PreventionGenetics, part of Exact Sciences
Classification: Uncertain significance for CACNA1I-related condition. Last evaluated: 2023-05-16. Review status: criteria provided, single submitter. Criteria: ACMG Guidelines, 2015. Collection method: clinical testing. Allele origin: germline.
Comment: The CACNA1I c.6555C>G variant is predicted to result in the amino acid substitution p.Ser2185Arg. To our knowledge, this variant has not been reported in the literature. This variant is reported in 0.0038% of alleles in individuals of European (Non-Finnish) descent in gnomAD. At this time, the clinical significance of this variant is uncertain due to the absence of conclusive functional and genetic evidence.

NM_021096.4(CACNA1I):c.6555C>G (p.Ser2185Arg)

Gene: CACNA1I (calcium voltage-gated channel subunit alpha1 I; plus strand). Cytogenetic location: 22q13.1.
Variant type: single nucleotide variant.
Coding change: c.6555C>G on transcript NM_021096.4 (MANE Select); coding-DNA position 6555, C replaced by G.
Protein change: p.Ser2185Arg; replaces serine 2185 with arginine.
Molecular consequence: missense variant.
Genome position (GRCh38, 1-based): chr22:39,686,288, C>G. VCF-style: chr22-39686288-C-G. GRCh37 (hg19) VCF-style: chr22-40082293-C-G.
Other names: c.6450C>G, p.Ser2150Arg (NM_001003406.2); short protein forms S2150R, S2185R.
Identifiers: ClinVar variation 2636890 (VCV002636890.1), dbSNP rs1487639038, ClinGen allele CA411649543.